The following is an entry in ClinVar:

ClinVar aggregate classification (germline): Uncertain significance. Review status: criteria provided, multiple submitters, no conflicts (2 of 4 stars). 3 submissions from 3 submitters: Uncertain significance (3). Last evaluated 2023-07-27.

Conditions:
Inborn genetic diseases. Identifiers: MedGen C0950123, MeSH D030342.
SLC12A6-related disorder. Also called: SLC12A6-related condition.

Allele frequency attached by ClinVar (database versions not stated): gnomAD exomes 0.00001; ExAC 0.00002; TOPMed 0.00002; gnomAD 0.00003.

Submissions (3):

PreventionGenetics, part of Exact Sciences
Classification: Uncertain significance for SLC12A6-related condition. Last evaluated: 2023-07-27. Review status: criteria provided, single submitter. Criteria: ACMG Guidelines, 2015. Collection method: clinical testing. Allele origin: germline.
Comment: The SLC12A6 c.1375G>A variant is predicted to result in the amino acid substitution p.Glu459Lys. To our knowledge, this variant has not been reported in the literature. This variant is reported in 0.0018% of alleles in individuals of European (Non-Finnish) descent in gnomAD. At this time, the clinical significance of this variant is uncertain due to the absence of conclusive functional and genetic evidence.

Ambry Genetics
Classification: Uncertain significance for Inborn genetic diseases. Last evaluated: 2023-07-19. Review status: criteria provided, single submitter. Criteria: Ambry Variant Classification Scheme 2023. Collection method: clinical testing. Allele origin: germline.

Mayo Clinic Laboratories, Mayo Clinic
Classification: Uncertain significance. Last evaluated: 2021-05-27. Review status: criteria provided, single submitter. Criteria: ACMG Guidelines, 2015. Collection method: clinical testing. Allele origin: germline.

NM_001365088.1(SLC12A6):c.1375G>A (p.Glu459Lys)

Gene: SLC12A6 (solute carrier family 12 member 6; minus strand). Cytogenetic location: 15q14.
Variant type: single nucleotide variant.
Coding change: c.1375G>A on transcript NM_001365088.1 (MANE Select); coding-DNA position 1375, G replaced by A.
Protein change: p.Glu459Lys; replaces glutamic acid 459 with lysine.
Molecular consequence: missense variant.
Genome position (GRCh38, 1-based): chr15:34,251,016, C>T on the plus strand (G>A on the coding strand, the complement: SLC12A6 is on the minus strand). VCF-style: chr15-34251016-C-T. GRCh37 (hg19) VCF-style: chr15-34543217-C-T.
Other names: p.Glu459Lys; c.1198G>A, p.Glu400Lys (NM_001042494.2, NM_001042495.2); c.1348G>A, p.Glu450Lys (NM_001042496.2); c.1330G>A, p.Glu444Lys (NM_001042497.2); c.1222G>A, p.Glu408Lys (NM_005135.2); c.1375G>A, p.Glu459Lys (NM_133647.2); short protein forms E400K, E408K, E444K, E450K, E459K.
Identifiers: ClinVar variation 1693633 (VCV001693633.7), dbSNP rs772725042, ClinGen allele CA7464317.